The following is an entry in ClinVar:

ClinVar aggregate classification (germline): Benign/Likely benign. Review status: criteria provided, multiple submitters, no conflicts (2 of 4 stars). 5 submissions from 5 submitters: Benign (3); Likely benign (1). 1 of the submissions does not count toward it. Last evaluated 2026-09-01.

Conditions:
Mitochondrial hypertrophic cardiomyopathy with lactic acidosis due to MTO1 deficiency. Also called: CARDIOMYOPATHY, INFANTILE HYPERTROPHIC MITOCHONDRIAL, AND LACTIC ACIDOSIS; Combined oxidative phosphorylation deficiency 10. Identifiers: Orphanet 314637, MedGen C4749921, MONDO:0013865, OMIM 614702.

Allele frequency attached by ClinVar (database versions not stated): 1000 Genomes Project 0.00240; 1000 Genomes Project 30x 0.00265; gnomAD exomes 0.00497 and 0.00857; gnomAD 0.00499 and 0.00506; TOPMed 0.00503; ExAC 0.00525; ESP Exome Variant Server 0.00738.
gnomAD v4.1: 13,186 of 1,612,248 alleles (0.82%); highest among the groups gnomAD compares: Non-Finnish European, 1%; 92 homozygotes.

Submissions (5):

CeGaT Center for Human Genetics Tuebingen
Classification: Benign. Last evaluated: 2026-09-01. Review status: criteria provided, single submitter. Criteria: CeGaT Center For Human Genetics Tuebingen Variant Classification Criteria Version 2. Collection method: clinical testing. Allele origin: germline. Affected: yes. Observed: 27 variant alleles.
Comment: MTO1: BP4, BP7, BS1, BS2

Labcorp Genetics (formerly Invitae), Labcorp
Classification: Benign for Mitochondrial hypertrophic cardiomyopathy with lactic acidosis due to MTO1 deficiency. Last evaluated: 2026-02-04. Review status: criteria provided, single submitter. Criteria: Invitae Variant Classification Sherloc (09022015). Collection method: clinical testing. Allele origin: germline.

Fulgent Genetics
Classification: Likely benign for Mitochondrial hypertrophic cardiomyopathy with lactic acidosis due to MTO1 deficiency. Last evaluated: 2021-10-21. Review status: criteria provided, single submitter. Criteria: ACMG Guidelines, 2015. Collection method: clinical testing. Allele origin: unknown.

GeneDx
Classification: Benign. Last evaluated: 2014-01-25. Review status: criteria provided, single submitter. Criteria: GeneDx Variant Classification (06012015). Collection method: clinical testing. Allele origin: germline. Affected: yes.
Comment: This variant is considered likely benign or benign based on one or more of the following criteria: it is a conservative change, it occurs at a poorly conserved position in the protein, it is predicted to be benign by multiple in silico algorithms, and/or has population frequency not consistent with disease.

Mayo Clinic Laboratories, Mayo Clinic
Classification: Benign. Last evaluated: 2016-03-02. Review status: no assertion criteria provided. Collection method: clinical testing. Allele origin: unknown. Not counted in ClinVar's aggregate classification.

NM_012123.4(MTO1):c.1894C>T (p.Leu632=)

Gene: MTO1 (mitochondrial tRNA translation optimization 1; plus strand). Cytogenetic location: 6q13.
Variant type: single nucleotide variant.
Coding change: c.1894C>T on transcript NM_012123.4 (MANE Select); coding-DNA position 1894, C replaced by T.
Protein change: p.Leu632=; no amino-acid change (leucine 632 retained).
Molecular consequence: synonymous variant.
Genome position (GRCh38, 1-based): chr6:73,497,873, C>T. VCF-style: chr6-73497873-C-T. GRCh37 (hg19) VCF-style: chr6-74207596-C-T.
Other names: p.L632L:CTA>TTA; c.2014C>T, p.Leu672= (NM_001123226.2); c.1969C>T, p.Leu657= (NM_133645.3).
Identifiers: ClinVar variation 138277 (VCV000138277.46), dbSNP rs117757245, ClinGen allele CA292197.
Genomic context (GRCh38, chr6:73,497,873, plus strand): 5'-AAAGACCTAGATTATTTGACTATCAGGGATGTGTCTTTGTCCCATGAAGTTCGAGAGAAA[C>T]TACATTTTAGTCGTCCACAGACGGTAAGAAAATAGGCAGGAGAATAGAAACAAGTTATAG-3'
Protein context (NP_036255.2, residues 622-642): VSLSHEVREK[Leu632=]HFSRPQTIGA